The following is an entry in ClinVar:

NM_001282531.3(ADNP):c.3022A>G (p.Ser1008Gly)

Gene: ADNP (activity dependent neuroprotector homeobox; minus strand). Cytogenetic location: 20q13.13.
Variant type: single nucleotide variant.
Coding change: c.3022A>G on transcript NM_001282531.3 (MANE Select); coding-DNA position 3022, A replaced by G.
Protein change: p.Ser1008Gly; replaces serine 1008 with glycine.
Molecular consequence: missense variant.
Genome position (GRCh38, 1-based): chr20:50,891,692, T>C on the plus strand (A>G on the coding strand, the complement: ADNP is on the minus strand). VCF-style: chr20-50891692-T-C. GRCh37 (hg19) VCF-style: chr20-49508229-T-C.
Other names: c.3022A>G, p.Ser1008Gly (NM_001282532.2, NM_001347511.2, NM_015339.5 and 1 more transcripts); c.3238A>G, p.Ser1080Gly (NM_001439000.1); c.2338A>G, p.Ser780Gly (NM_001439001.1); short protein forms S1008G, S780G, S1080G.
Identifiers: ClinVar variation 4088226 (VCV004088226.1).

ClinVar aggregate classification (germline): Uncertain significance (1 of 4 stars; one submission).

Submission:

GeneDx
Classification: Uncertain significance. Last evaluated: 2025-03-17. Review status: criteria provided, single submitter. Criteria: GeneDx Variant Classification Process June 2021. Collection method: clinical testing. Allele origin: germline. Affected: yes.
Comment: Not observed at significant frequency in large population cohorts (gnomAD); In silico analysis indicates that this missense variant does not alter protein structure/function; Has not been previously published as pathogenic or benign to our knowledge